The following is an entry in ClinVar:

NM_001349206.2(LPIN1):c.2777C>T (p.Ala926Val)

Gene: LPIN1 (lipin 1; plus strand). Cytogenetic location: 2p25.1.
Variant type: single nucleotide variant.
Coding change: c.2777C>T on transcript NM_001349206.2 (MANE Select); coding-DNA position 2777, C replaced by T.
Protein change: p.Ala926Val; replaces alanine 926 with valine.
Molecular consequence: missense variant. On other transcripts: non-coding transcript variant (1).
Genome position (GRCh38, 1-based): chr2:11,824,787, C>T. VCF-style: chr2-11824787-C-T. GRCh37 (hg19) VCF-style: chr2-11964913-C-T.
Other names: c.2687C>T, p.Ala896Val (NM_001261427.3); c.2924C>T, p.Ala975Val (NM_001261428.3); c.2669C>T, p.Ala890Val (NM_001349199.2, NM_145693.4); c.2747C>T, p.Ala916Val (NM_001349200.2, NM_001349201.2); c.2774C>T, p.Ala925Val (NM_001349202.2, NM_001349203.2); c.2777C>T, p.Ala926Val (NM_001349204.2, NM_001349205.2); c.2867C>T, p.Ala956Val (NM_001349207.2); c.2816C>T, p.Ala939Val (NM_001349208.2); short protein forms A890V, A896V, A916V, A925V, A926V, A939V, A956V, A975V.
Identifiers: ClinVar variation 1163781 (VCV001163781.8), dbSNP rs143650210, ClinGen allele CA1534195.

ClinVar aggregate classification (germline): Uncertain significance. Review status: criteria provided, multiple submitters, no conflicts (2 of 4 stars). 3 submissions from 3 submitters: Uncertain significance (3). Last evaluated 2025-04-17.

Conditions:
Myoglobinuria, acute recurrent, autosomal recessive. Also called: RHABDOMYOLYSIS, ACUTE RECURRENT; Myoglobinuria, recurrent, autosomal recessive; MYOGLOBINURIA, FAMILIAL PAROXYSMAL PARALYTIC. Identifiers: Orphanet 99845, MedGen C1849386, MONDO:0009992, OMIM 268200.

Allele frequency attached by ClinVar (database versions not stated): ExAC 0.00003; gnomAD 0.00003; TOPMed 0.00003; ESP Exome Variant Server 0.00015.
gnomAD v4.1: 27 of 1,614,040 alleles (0.0017%); highest among the groups gnomAD compares: African/African-American, 0.008%; no homozygotes.

Submissions (3):

Labcorp Genetics (formerly Invitae), Labcorp
Classification: Uncertain significance. Last evaluated: 2025-04-17. Review status: criteria provided, single submitter. Criteria: Invitae Variant Classification Sherloc (09022015). Collection method: clinical testing. Allele origin: germline.
Comment: This sequence change replaces alanine, which is neutral and non-polar, with valine, which is neutral and non-polar, at codon 890 of the LPIN1 protein (p.Ala890Val). This variant is present in population databases (rs143650210, gnomAD 0.01%). This variant has not been reported in the literature in individuals affected with LPIN1-related conditions. ClinVar contains an entry for this variant (Variation ID: 1163781). An algorithm developed to predict the effect of missense changes on protein structure and function (PolyPhen-2) suggests that this variant is likely to be disruptive. In summary, the available evidence is currently insufficient to determine the role of this variant in disease. Therefore, it has been classified as a Variant of Uncertain Significance.

Mayo Clinic Laboratories, Mayo Clinic
Classification: Uncertain significance. Last evaluated: 2025-03-05. Review status: criteria provided, single submitter. Criteria: ACMG Guidelines, 2015. Collection method: clinical testing. Allele origin: germline. Observed: 2 variant alleles.
Comment: PM2_supporting

Fulgent Genetics
Classification: Uncertain significance for Myoglobinuria, acute recurrent, autosomal recessive. Last evaluated: 2022-02-02. Review status: criteria provided, single submitter. Criteria: ACMG Guidelines, 2015. Collection method: clinical testing. Allele origin: unknown.